The following is an entry in ClinVar:

NM_000540.3(RYR1):c.11919C>T (p.Thr3973=)

Gene: RYR1 (ryanodine receptor 1; plus strand). Cytogenetic location: 19q13.2.
Variant type: single nucleotide variant.
Coding change: c.11919C>T on transcript NM_000540.3 (MANE Select); coding-DNA position 11919, C replaced by T.
Protein change: p.Thr3973=; no amino-acid change (threonine 3973 retained).
Molecular consequence: synonymous variant.
Genome position (GRCh38, 1-based): chr19:38,543,782, C>T. VCF-style: chr19-38543782-C-T. GRCh37 (hg19) VCF-style: chr19-39034422-C-T.
Other names: c.11904C>T, p.Thr3968= (NM_001042723.2).
Identifiers: ClinVar variation 2900327 (VCV002900327.5), dbSNP rs1302231407, ClinGen allele CA507242586.
Genomic context (GRCh38, chr19:38,543,782, plus strand): 5'-TCCCTTCTCGGGGATTCCCTTCCCCCCCACACGGCACTCTGCCTCCCAGGGTCCCTGCAC[C>T]GGGAACCAGCAGAGCCTGGCGCACAGTCGCCTATGGGACGCAGTGGTGGGATTCCTGCAC-3'
Protein context (NP_000531.2, residues 3963-3983): SLTEYIQGPC[Thr3973=]GNQQSLAHSR

ClinVar aggregate classification (germline): Likely benign. Review status: criteria provided, multiple submitters, no conflicts (2 of 4 stars). 3 submissions from 3 submitters: Likely benign (3). Last evaluated 2025-12-19.

Conditions:
RYR1-related disorder. Also called: RYR1-related condition; RYR1-related disorders. Identifiers: MedGen CN239331.
Malignant hyperthermia, susceptibility to, 1 (MHS1). Also called: Malignant hyperthermia suceptibility 1; Anesthesia related hyperthermia; Malignant hyperpyrexia; Fulminating hyperpyrexia; Pharmacogenic myopathy; RYR1-Related Malignant Hyperthermia Susceptibility. Identifiers: Orphanet 423, MedGen C2930980, MONDO:0007783, OMIM 145600.

Allele frequency attached by ClinVar (database versions not stated): TOPMed below 0.00001; gnomAD 0.00001.

Submissions (3):

Labcorp Genetics (formerly Invitae), Labcorp
Classification: Likely benign for RYR1-related disorder. Last evaluated: 2025-12-19. Review status: criteria provided, single submitter. Criteria: Invitae Variant Classification Sherloc (09022015). Collection method: clinical testing. Allele origin: germline.

All of Us Research Program, National Institutes of Health
Classification: Likely benign for Malignant hyperthermia, susceptibility to, 1. Last evaluated: 2023-04-03. Review status: criteria provided, single submitter. Criteria: ACMG Guidelines, 2015. Collection method: clinical testing. Allele origin: germline. Inheritance: Autosomal dominant inheritance. Observed: 1 variant allele, 1 heterozygote.
Comment: This study involves interpretation of variants in research participants for the purpose of population health screening. Participant phenotype was not available at the time of variant classification. Additional details can be found in publication PMID: 35346344, PMCID: PMC8962531

Color Diagnostics, LLC DBA Color Health
Classification: Likely benign for Malignant hyperthermia, susceptibility to, 1. Last evaluated: 2022-11-06. Review status: criteria provided, single submitter. Criteria: ACMG Guidelines, 2015. Collection method: clinical testing. Allele origin: germline.